The following is an entry in ClinVar:

NM_025132.4(WDR19):c.2143-12T>G

Gene: WDR19 (WD repeat domain 19; plus strand). Cytogenetic location: 4p14.
Variant type: single nucleotide variant.
Coding change: c.2143-12T>G on transcript NM_025132.4 (MANE Select); 12 bases into the intron before coding-DNA position 2143, T replaced by G.
Molecular consequence: intron variant.
Genome position (GRCh38, 1-based): chr4:39,232,150, T>G. VCF-style: chr4-39232150-T-G. GRCh37 (hg19) VCF-style: chr4-39233770-T-G.
Other names: c.1663-12T>G (NM_001317924.2).
Identifiers: ClinVar variation 2157503 (VCV002157503.4), dbSNP rs1730937589, ClinGen allele CA1061332420.
Genomic context (GRCh38, chr4:39,232,150, plus strand): 5'-CAAAGTCCTTAAAAAAAAAAAAAAGTTAAACTCTTGCATTTTTTTTCTCATCAGAATTGC[T>G]TTTATTTGTAGGGAATAGAGGACTACAATCTTTTGGCAGGACACCTTGCCATGTTTACCA-3'

ClinVar aggregate classification (germline): Uncertain significance (1 of 4 stars; one submission).

Conditions:
Asphyxiating thoracic dystrophy 5 (SRTD5). Also called: SHORT-RIB THORACIC DYSPLASIA 5 WITHOUT POLYDACTYLY; SHORT-RIB THORACIC DYSPLASIA 5 WITH OR WITHOUT POLYDACTYLY. Identifiers: Orphanet 474, MedGen C3280598, MONDO:0013717, OMIM 614376.
Senior-Loken syndrome 8 (SLSN8). Identifiers: Orphanet 3156, MedGen C4225376, MONDO:0014579, OMIM 616307.

Allele frequency attached by ClinVar (database versions not stated): gnomAD 0.00001.

Submission:

Labcorp Genetics (formerly Invitae), Labcorp
Classification: Uncertain significance for Senior-Loken syndrome 8; Asphyxiating thoracic dystrophy 5. Last evaluated: 2023-01-17. Review status: criteria provided, single submitter. Criteria: Invitae Variant Classification Sherloc (09022015). Collection method: clinical testing. Allele origin: germline.
Comment: In summary, the available evidence is currently insufficient to determine the role of this variant in disease. Therefore, it has been classified as a Variant of Uncertain Significance. Algorithms developed to predict the effect of sequence changes on RNA splicing suggest that this variant may create or strengthen a splice site. This variant has not been reported in the literature in individuals affected with WDR19-related conditions. This variant is not present in population databases (gnomAD no frequency). This sequence change falls in intron 18 of the WDR19 gene. It does not directly change the encoded amino acid sequence of the WDR19 protein.